The following is an entry in ClinVar:

NM_018646.6(TRPV6):c.1886G>A (p.Arg629Gln)

Gene: TRPV6 (transient receptor potential cation channel subfamily V member 6; minus strand). Cytogenetic location: 7q34.
Variant type: single nucleotide variant.
Coding change: c.1886G>A on transcript NM_018646.6 (MANE Select); coding-DNA position 1886, G replaced by A.
Protein change: p.Arg629Gln; replaces arginine 629 with glutamine.
Molecular consequence: missense variant.
Genome position (GRCh38, 1-based): chr7:142,873,470, C>T on the plus strand (G>A on the coding strand, the complement: TRPV6 is on the minus strand). VCF-style: chr7-142873470-C-T. GRCh37 (hg19) VCF-style: chr7-142571223-C-T.
Other names: short protein forms R629Q.
Identifiers: ClinVar variation 3689352 (VCV003689352.2).
Genomic context (GRCh38, chr7:142,873,470, plus strand): 5'-TGACTTGCCCTAACCCTCCCTGCCACCAGGGGGCTCACCTGGGCCCTCCACAGCTCATCC[C>T]GCTCATGGGCCACTCGCCAGTGAGTGTCGCCCATCATGGCAATGAGGAGGTTGAGCATGA-3'
Protein context (NP_061116.5, residues 619-639): GDTHWRVAHE[Arg629Gln]DELWRAQIVA

ClinVar aggregate classification (germline): Uncertain significance (1 of 4 stars; one submission).

gnomAD v4.1: 11 of 1,614,156 alleles (0.00068%); highest among the groups gnomAD compares: Admixed American, 0.0033%; no homozygotes.

Submission:

Labcorp Genetics (formerly Invitae), Labcorp
Classification: Uncertain significance. Last evaluated: 2024-10-05. Review status: criteria provided, single submitter. Criteria: Invitae Variant Classification Sherloc (09022015). Collection method: clinical testing. Allele origin: germline.
Comment: This sequence change replaces arginine, which is basic and polar, with glutamine, which is neutral and polar, at codon 629 of the TRPV6 protein (p.Arg629Gln). This variant is present in population databases (rs778016744, gnomAD 0.003%). This variant has not been reported in the literature in individuals affected with TRPV6-related conditions. An algorithm developed to predict the effect of missense changes on protein structure and function outputs the following: PolyPhen-2: "Not Available". The glutamine amino acid residue is found in multiple mammalian species, which suggests that this missense change does not adversely affect protein function. In summary, the available evidence is currently insufficient to determine the role of this variant in disease. Therefore, it has been classified as a Variant of Uncertain Significance.